The following is an entry in ClinVar:

NM_002693.3(POLG):c.130_131insGGC (p.Gln43_Gln44insArg)

Genes: POLG (DNA polymerase gamma, catalytic subunit; minus strand), POLGARF (POLG alternative reading frame; minus strand). Cytogenetic location: 15q26.1.
Variant type: Insertion.
Coding change: c.130_131insGGC on transcript NM_002693.3 (MANE Select); coding-DNA positions 130 to 131, GGC inserted.
Protein change: p.Gln43_Gln44insArg.
Molecular consequence: inframe insertion.
Genome position: GRCh38 VCF-style: chr15-89333624-T-TGCC. GRCh37 (hg19) VCF-style: chr15-89876855-T-TGCC.
Other names: c.130_131insGGC, p.Gln43_Gln44insArg (NM_001126131.2).
Identifiers: ClinVar variation 1411321 (VCV001411321.6), dbSNP rs1555454345, ClinGen allele CA7725196.

ClinVar aggregate classification (germline): Uncertain significance. Review status: criteria provided, multiple submitters, no conflicts (2 of 4 stars). 2 submissions from 2 submitters: Uncertain significance (2). Last evaluated 2026-02-11.

Conditions:
Progressive sclerosing poliodystrophy (MTDPS4A). Also called: ALPERS PROGRESSIVE INFANTILE POLIODYSTROPHY; Alpers Syndrome; ALPERS DIFFUSE DEGENERATION OF CEREBRAL GRAY MATTER WITH HEPATIC CIRRHOSIS; Alpers-Huttenlocher Syndrome; Mitochondrial DNA depletion syndrome 4A (Alpers type); NEURONAL DEGENERATION OF CHILDHOOD WITH LIVER DISEASE, PROGRESSIVE. Identifiers: Orphanet 726, MedGen C0205710, MONDO:0008758, OMIM 203700.
POLG-related disorder. Also called: POLG-Related Spectrum Disorders; POLG-related condition; POLG-Related Disorders. Identifiers: MedGen C4763519.

Submissions (2):

Myriad Genetics, Inc.
Classification: Uncertain significance for POLG-related disorder. Last evaluated: 2026-02-11. Review status: criteria provided, single submitter. Criteria: Myriad Autosomal Dominant, Autosomal Recessive and X-Linked Classification Criteria (2023). Collection method: clinical testing. Allele origin: unknown.
Comment: NM_002693.2(POLG):c.130_131insGGC(Q43_Q44insR) is an in-frame insertion classified as a variant of uncertain significance in the context of POLG-related disorders. Q43_Q44insR has not been observed in cases with relevant disease. Relevant functional assessments of this variant are not available in the literature. Q43_Q44insR has been observed in referenced population frequency databases. In summary, there is insufficient evidence to classify NM_002693.2(POLG):c.130_131insGGC(Q43_Q44insR) as pathogenic or benign. Please note: this variant was assessed in the context of healthy population screening.

Labcorp Genetics (formerly Invitae), Labcorp
Classification: Uncertain significance for Progressive sclerosing poliodystrophy. Last evaluated: 2024-10-02. Review status: criteria provided, single submitter. Criteria: Invitae Variant Classification Sherloc (09022015). Collection method: clinical testing. Allele origin: germline.
Comment: This variant, c.130_131insGGC, results in the insertion of 1 amino acid(s) of the POLG protein (p.Gln43_Gln44insArg), but otherwise preserves the integrity of the reading frame. The frequency data for this variant in the population databases is considered unreliable, as metrics indicate poor data quality at this position in the gnomAD database. This variant has not been reported in the literature in individuals affected with POLG-related conditions. ClinVar contains an entry for this variant (Variation ID: 1411321). Experimental studies and prediction algorithms are not available or were not evaluated, and the functional significance of this variant is currently unknown. In summary, the available evidence is currently insufficient to determine the role of this variant in disease. Therefore, it has been classified as a Variant of Uncertain Significance.